The following is an entry in ClinVar:

NM_003793.4(CTSF):c.269A>G (p.Asn90Ser)

Gene: CTSF (cathepsin F; minus strand). Cytogenetic location: 11q13.2.
Variant type: single nucleotide variant.
Coding change: c.269A>G on transcript NM_003793.4 (MANE Select); coding-DNA position 269, A replaced by G.
Protein change: p.Asn90Ser; replaces asparagine 90 with serine.
Molecular consequence: missense variant.
Genome position (GRCh38, 1-based): chr11:66,568,027, T>C on the plus strand (A>G on the coding strand, the complement: CTSF is on the minus strand). VCF-style: chr11-66568027-T-C. GRCh37 (hg19) VCF-style: chr11-66335498-T-C.
Other names: short protein forms N90S.
Identifiers: ClinVar variation 3631924 (VCV003631924.2).

ClinVar aggregate classification (germline): Uncertain significance (1 of 4 stars; one submission).

Conditions:
Neuronal ceroid lipofuscinosis 13 (CLN13). Also called: CLN13 Disease; CEROID LIPOFUSCINOSIS, NEURONAL, 13 (KUFS TYPE). Identifiers: Orphanet 352709, Orphanet 79262, MedGen C3715049, MONDO:0014147, OMIM 615362.

Submission:

Labcorp Genetics (formerly Invitae), Labcorp
Classification: Uncertain significance for Neuronal ceroid lipofuscinosis 13. Last evaluated: 2025-04-28. Review status: criteria provided, single submitter. Criteria: Invitae Variant Classification Sherloc (09022015). Collection method: clinical testing. Allele origin: germline.
Comment: This sequence change replaces asparagine, which is neutral and polar, with serine, which is neutral and polar, at codon 90 of the CTSF protein (p.Asn90Ser). This variant is not present in population databases (gnomAD no frequency). This variant has not been reported in the literature in individuals affected with CTSF-related conditions. ClinVar contains an entry for this variant (Variation ID: 3631924). An algorithm developed to predict the effect of missense changes on protein structure and function (PolyPhen-2) suggests that this variant is likely to be tolerated. In summary, the available evidence is currently insufficient to determine the role of this variant in disease. Therefore, it has been classified as a Variant of Uncertain Significance.